The following is an entry in ClinVar:

ClinVar aggregate classification (germline): Benign/Likely benign. Review status: criteria provided, multiple submitters, no conflicts (2 of 4 stars). 14 submissions from 13 submitters: Benign (2); Likely benign (9). 3 of the submissions do not count toward it. Last evaluated 2026-04-01.

Conditions:
MYH9-related disorder. Identifiers: MedGen C1854520.
Kidney disorder. Also called: Nephropathy; Kidney disease; Kidney Diseases; renal disease; renal disorder. Identifiers: MedGen C0022658, MONDO:0005240, HP:0000112.
Autosomal dominant nonsyndromic hearing loss 17. Also called: Autosomal dominant nonsyndromic deafness 17; Deafness, autosomal dominant 17. Identifiers: Orphanet 90635, MedGen C1863659, MONDO:0011350, OMIM 603622.

Allele frequency attached by ClinVar (database versions not stated): 1000 Genomes Project 30x 0.00078; 1000 Genomes Project 0.00080; ExAC 0.00148; gnomAD exomes 0.00152 and 0.00245; gnomAD 0.00191 and 0.00198; TOPMed 0.00195; ESP Exome Variant Server 0.00200.
gnomAD v4.1: 3,814 of 1,613,758 alleles (0.24%); highest among the groups gnomAD compares: Non-Finnish European, 0.29%; 11 homozygotes.

Submissions (14):

CeGaT Center for Human Genetics Tuebingen
Classification: Likely benign. Last evaluated: 2026-04-01. Review status: criteria provided, single submitter. Criteria: CeGaT Center For Human Genetics Tuebingen Variant Classification Criteria Version 2. Collection method: clinical testing. Allele origin: germline. Affected: yes. Observed: 3 variant alleles.
Comment: MYH9: BS1

Labcorp Genetics (formerly Invitae), Labcorp
Classification: Likely benign. Last evaluated: 2026-02-01. Review status: criteria provided, single submitter. Criteria: Invitae Variant Classification Sherloc (09022015). Collection method: clinical testing. Allele origin: germline.

Blueprint Genetics
Classification: Likely benign. Last evaluated: 2024-11-28. Review status: criteria provided, single submitter. Criteria: ACMG Guidelines, 2015. Collection method: clinical testing. Allele origin: germline.

Mayo Clinic Laboratories, Mayo Clinic
Classification: Likely benign. Last evaluated: 2024-03-27. Review status: criteria provided, single submitter. Criteria: ACMG Guidelines, 2015. Collection method: clinical testing. Allele origin: germline. Observed: 7 variant alleles.
Comment: BS1, BS2_supporting, BP4

GeneDx
Classification: Likely benign. Last evaluated: 2021-03-27. Review status: criteria provided, single submitter. Criteria: GeneDx Variant Classification Process June 2021. Collection method: clinical testing. Allele origin: germline. Affected: yes.
Comment: This variant is associated with the following publications: (PMID: 25903641)

Genome Diagnostics Laboratory, The Hospital for Sick Children
Classification: Benign for Kidney disorder. Last evaluated: 2020-04-01. Review status: criteria provided, single submitter. Criteria: ACMG Guidelines, 2015. Collection method: clinical testing. Allele origin: germline.

Eurofins Ntd Llc (ga)
Classification: Likely benign. Last evaluated: 2018-02-01. Review status: criteria provided, single submitter. Criteria: EGL Classification Definitions 2015. Collection method: clinical testing. Allele origin: germline. Observed: 1 variant allele, 1 heterozygote.

Illumina Laboratory Services, Illumina
Classification: Likely benign for Autosomal dominant nonsyndromic hearing loss 17. Last evaluated: 2018-01-13. Review status: criteria provided, single submitter. Criteria: ICSL Variant Classification Criteria 13 December 2019. Collection method: clinical testing. Allele origin: germline.
Comment: This variant was observed in the ICSL laboratory as part of a predisposition screen in an ostensibly healthy population. It had not been previously curated by ICSL or reported in the Human Gene Mutation Database (HGMD: prior to June 1st, 2018), and was therefore a candidate for classification through an automated scoring system. Utilizing variant allele frequency, disease prevalence and penetrance estimates, and inheritance mode, an automated score was calculated to assess if this variant is too frequent to cause the disease. Based on the score and internal cut-off values, a variant classified as likely benign is not then subjected to further curation. The score for this variant resulted in a classification of likely benign for this disease.

Illumina Laboratory Services, Illumina
Classification: Benign for MYH9-related disorder. Last evaluated: 2018-01-13. Review status: criteria provided, single submitter. Criteria: ICSL Variant Classification Criteria 13 December 2019. Collection method: clinical testing. Allele origin: germline.
Comment: This variant was observed in the ICSL laboratory as part of a predisposition screen in an ostensibly healthy population. It had not been previously curated by ICSL or reported in the Human Gene Mutation Database (HGMD: prior to June 1st, 2018), and was therefore a candidate for classification through an automated scoring system. Utilizing variant allele frequency, disease prevalence and penetrance estimates, and inheritance mode, an automated score was calculated to assess if this variant is too frequent to cause the disease. Based on the score and internal cut-off values, a variant classified as benign is not then subjected to further curation. The score for this variant resulted in a classification of benign for this disease.

Laboratory for Molecular Medicine, Mass General Brigham Personalized Medicine
Classification: Likely benign. Last evaluated: 2017-05-16. Review status: criteria provided, single submitter. Criteria: LMM Criteria. Collection method: clinical testing. Allele origin: germline. Observed: 7 variant alleles.
Comment: p.Gly1715Ser in exon 36 of MYH9: This variant is not expected to have clinical s ignificance because it has been identified in 0.2% (304/126554) European chromos omes by the Genome Aggregation Database, including 3 homozygotes (gnomAD; dbSNP rs148109368). This frequency is higher than e xpected based on the estimated prevalence of 1-9/1,000,000 of MYH9-related disor der (MYH9-related disease, Orpha:182050).

Breakthrough Genomics
Classification: Likely benign. Review status: criteria provided, single submitter. Criteria: ACMG Guidelines, 2015. Collection method: not provided. Allele origin: germline. Inheritance: Autosomal dominant inheritance. Affected: yes.

PreventionGenetics, part of Exact Sciences
Classification: Likely benign for MYH9-related condition. Last evaluated: 2021-03-31. Review status: no assertion criteria provided. Collection method: clinical testing. Allele origin: germline. Not counted in ClinVar's aggregate classification.
Comment: This variant is classified as likely benign based on ACMG/AMP sequence variant interpretation guidelines (Richards et al. 2015 PMID: 25741868, with internal and published modifications).

Clinical Genetics DNA and cytogenetics Diagnostics Lab, Erasmus MC, Erasmus Medical Center
Classification: Likely benign. Review status: no assertion criteria provided. Collection method: clinical testing. Allele origin: germline. Affected: yes. Study: VKGL Data-share Consensus. Not counted in ClinVar's aggregate classification.

Genome Diagnostics Laboratory, University Medical Center Utrecht
Classification: Likely benign. Review status: no assertion criteria provided. Collection method: clinical testing. Allele origin: germline. Affected: yes. Study: VKGL Data-share Consensus. Not counted in ClinVar's aggregate classification.

NM_002473.6(MYH9):c.5143G>A (p.Gly1715Ser)

Gene: MYH9 (myosin heavy chain 9; minus strand). Cytogenetic location: 22q12.3.
Variant type: single nucleotide variant.
Coding change: c.5143G>A on transcript NM_002473.6 (MANE Select); coding-DNA position 5143, G replaced by A.
Protein change: p.Gly1715Ser; replaces glycine 1715 with serine.
Molecular consequence: missense variant.
Genome position (GRCh38, 1-based): chr22:36,285,872, C>T on the plus strand (G>A on the coding strand, the complement: MYH9 is on the minus strand). VCF-style: chr22-36285872-C-T. GRCh37 (hg19) VCF-style: chr22-36681918-C-T.
Other names: short protein forms G1715S.
Identifiers: ClinVar variation 178425 (VCV000178425.46), dbSNP rs148109368, ClinGen allele CA182302.